The following is an entry in ClinVar:

NM_000540.3(RYR1):c.5529G>T (p.Lys1843Asn)

Gene: RYR1 (ryanodine receptor 1; plus strand). Cytogenetic location: 19q13.2.
Variant type: single nucleotide variant.
Coding change: c.5529G>T on transcript NM_000540.3 (MANE Select); coding-DNA position 5529, G replaced by T.
Protein change: p.Lys1843Asn; replaces lysine 1843 with asparagine.
Molecular consequence: missense variant.
Genome position (GRCh38, 1-based): chr19:38,486,184, G>T. VCF-style: chr19-38486184-G-T. GRCh37 (hg19) VCF-style: chr19-38976824-G-T.
Other names: c.5529G>T, p.Lys1843Asn (NM_001042723.2); short protein forms K1843N.
Identifiers: ClinVar variation 2571041 (VCV002571041.27), dbSNP rs2514231215, ClinGen allele CA405656007.

ClinVar aggregate classification (germline): Uncertain significance (1 of 4 stars; one submission).

Submission:

CeGaT Center for Human Genetics Tuebingen
Classification: Uncertain significance. Last evaluated: 2023-06-01. Review status: criteria provided, single submitter. Criteria: CeGaT Center For Human Genetics Tuebingen Variant Classification Criteria Version 2. Collection method: clinical testing. Allele origin: germline. Affected: yes. Observed: 1 variant allele.
Comment: RYR1: PM2, PP3